The following is an entry in ClinVar:

NM_000540.3(RYR1):c.8340C>T (p.Asn2780=)

Genes: RYR1 (ryanodine receptor 1; plus strand), LOC126862902 (BRD4-independent group 4 enhancer GRCh37_chr19:38995830-38997029; plus strand). Cytogenetic location: 19q13.2.
Variant type: single nucleotide variant.
Coding change: c.8340C>T on transcript NM_000540.3 (MANE Select); coding-DNA position 8340, C replaced by T.
Protein change: p.Asn2780=; no amino-acid change (asparagine 2780 retained).
Molecular consequence: synonymous variant.
Genome position (GRCh38, 1-based): chr19:38,505,338, C>T. VCF-style: chr19-38505338-C-T. GRCh37 (hg19) VCF-style: chr19-38995978-C-T.
Other names: c.8340C>T, p.Asn2780= (NM_001042723.2).
Identifiers: ClinVar variation 696000 (VCV000696000.12), dbSNP rs1024020194, ClinGen allele CA308117067.

ClinVar aggregate classification (germline): Likely benign. Review status: criteria provided, multiple submitters, no conflicts (2 of 4 stars). 3 submissions from 3 submitters: Likely benign (3). Last evaluated 2025-09-15.

Conditions:
RYR1-related disorder. Also called: RYR1-related disorders; RYR1-related condition. Identifiers: MedGen CN239331.
Malignant hyperthermia, susceptibility to, 1 (MHS1). Also called: RYR1-Related Malignant Hyperthermia Susceptibility; Anesthesia related hyperthermia; Malignant hyperpyrexia; Fulminating hyperpyrexia; Pharmacogenic myopathy; Malignant hyperthermia suceptibility 1. Identifiers: Orphanet 423, MedGen C2930980, MONDO:0007783, OMIM 145600.

Allele frequency attached by ClinVar (database versions not stated): gnomAD exomes below 0.00001; gnomAD 0.00001; TOPMed 0.00002.
gnomAD v4.1: 33 of 1,612,278 alleles (0.002%); highest among the groups gnomAD compares: African/African-American, 0.004%; no homozygotes.

Submissions (3):

Labcorp Genetics (formerly Invitae), Labcorp
Classification: Likely benign for RYR1-related disorder. Last evaluated: 2025-09-15. Review status: criteria provided, single submitter. Criteria: Invitae Variant Classification Sherloc (09022015). Collection method: clinical testing. Allele origin: germline.

All of Us Research Program, National Institutes of Health
Classification: Likely benign for Malignant hyperthermia, susceptibility to, 1. Last evaluated: 2024-07-20. Review status: criteria provided, single submitter. Criteria: ACMG Guidelines, 2015. Collection method: clinical testing. Allele origin: germline. Inheritance: Autosomal dominant inheritance. Observed: 5 variant alleles, 5 heterozygotes.
Comment: This study involves interpretation of variants in research participants for the purpose of population health screening. Participant phenotype was not available at the time of variant classification. Additional details can be found in publication PMID: 35346344, PMCID: PMC8962531

Blueprint Genetics
Classification: Likely benign. Last evaluated: 2022-07-19. Review status: criteria provided, single submitter. Criteria: ACMG Guidelines, 2015. Collection method: clinical testing. Allele origin: germline.